The following is an entry in ClinVar:

NM_001458.5(FLNC):c.3967G>T (p.Val1323Leu)

Gene: FLNC (filamin C; plus strand). Cytogenetic location: 7q32.1.
Variant type: single nucleotide variant.
Coding change: c.3967G>T on transcript NM_001458.5 (MANE Select); coding-DNA position 3967, G replaced by T.
Protein change: p.Val1323Leu; replaces valine 1323 with leucine.
Molecular consequence: missense variant.
Genome position (GRCh38, 1-based): chr7:128,846,303, G>T. VCF-style: chr7-128846303-G-T. GRCh37 (hg19) VCF-style: chr7-128486357-G-T.
Other names: c.3967G>T, p.Val1323Leu (NM_001127487.2); short protein forms V1323L.
Identifiers: ClinVar variation 2180861 (VCV002180861.26), dbSNP rs771676134, ClinGen allele CA369198840.

ClinVar aggregate classification (germline): Conflicting classifications of pathogenicity. Review status: criteria provided, conflicting classifications (1 of 4 stars). 5 submissions from 5 submitters: Uncertain significance (3); Likely benign (2). Last evaluated 2026-07-07.

Conditions:
Cardiovascular phenotype. Identifiers: MedGen CN230736.
Hypertrophic cardiomyopathy 26. Also called: Cardiomyopathy, familial hypertrophic, 26. Identifiers: Orphanet 75249, MedGen C4310749, MONDO:0014883, OMIM 617047.
Myofibrillar myopathy 5. Also called: Filaminopathy (type); FILAMINOPATHY, AUTOSOMAL DOMINANT. Identifiers: Orphanet 171445, MedGen C1836050, MONDO:0012289, OMIM 609524.
Dilated Cardiomyopathy, Dominant.
Distal myopathy with posterior leg and anterior hand involvement. Also called: WILLIAMS DISTAL MYOPATHY. Identifiers: Orphanet 63273, MedGen C3279722, MONDO:0013550, OMIM 614065.

gnomAD v4.1: 8 of 1,613,704 alleles (0.0005%); highest among the groups gnomAD compares: Non-Finnish European, 0.00068%; no homozygotes.

Submissions (5):

Ambry Genetics
Classification: Uncertain significance for Cardiovascular phenotype. Last evaluated: 2026-07-07. Review status: criteria provided, single submitter. Criteria: Ambry Variant Classification Scheme 2023. Collection method: clinical testing. Allele origin: germline.
Comment: The p.V1323L variant (also known as c.3967G>T), located in coding exon 23 of the FLNC gene, results from a G to T substitution at nucleotide position 3967. The valine at codon 1323 is replaced by leucine, an amino acid with highly similar properties. This amino acid position is conserved. In addition, this alteration is predicted to be tolerated by in silico analysis. Based on the available evidence, the clinical significance of this variant remains unclear.

Labcorp Genetics (formerly Invitae), Labcorp
Classification: Uncertain significance for Distal myopathy with posterior leg and anterior hand involvement; Myofibrillar myopathy 5; Hypertrophic cardiomyopathy 26. Last evaluated: 2024-12-06. Review status: criteria provided, single submitter. Criteria: Invitae Variant Classification Sherloc (09022015). Collection method: clinical testing. Allele origin: germline.
Comment: This sequence change replaces valine, which is neutral and non-polar, with leucine, which is neutral and non-polar, at codon 1323 of the FLNC protein (p.Val1323Leu). This variant is present in population databases (no rsID available, gnomAD 0.002%). This variant has not been reported in the literature in individuals affected with FLNC-related conditions. ClinVar contains an entry for this variant (Variation ID: 2180861). An algorithm developed to predict the effect of missense changes on protein structure and function (PolyPhen-2) suggests that this variant¬¨‚Ä†is likely to be tolerated. In summary, the available evidence is currently insufficient to determine the role of this variant in disease. Therefore, it has been classified as a Variant of Uncertain Significance.

KardioGenetik, Herz- und Diabeteszentrum NRW
Classification: Uncertain significance for Hypertrophic cardiomyopathy 26. Last evaluated: 2024-04-10. Review status: criteria provided, single submitter. Criteria: ACMG Guidelines, 2015. Collection method: clinical testing. Allele origin: unknown. Affected: yes. Observed: 1 variant allele.
Comment: PM2, BP4

CeGaT Center for Human Genetics Tuebingen
Classification: Likely benign. Last evaluated: 2024-01-01. Review status: criteria provided, single submitter. Criteria: CeGaT Center For Human Genetics Tuebingen Variant Classification Criteria Version 2. Collection method: clinical testing. Allele origin: germline. Affected: yes. Observed: 1 variant allele.
Comment: FLNC: BP4

Blueprint Genetics
Classification: Likely benign. Last evaluated: 2018-09-20. Review status: criteria provided, single submitter. Criteria: ACMG Guidelines, 2015. Collection method: clinical testing. Allele origin: germline.